The following is an entry in ClinVar:

NM_152564.5(VPS13B):c.4157+2T>G

Gene: VPS13B (vacuolar protein sorting 13 homolog B; plus strand). Cytogenetic location: 8q22.2.
Variant type: single nucleotide variant.
Coding change: c.4157+2T>G on transcript NM_152564.5 (MANE Select); the canonical splice donor site of the intron after coding-DNA position 4157, T replaced by G.
Molecular consequence: splice donor variant.
Genome position (GRCh38, 1-based): chr8:99,502,952, T>G. VCF-style: chr8-99502952-T-G. GRCh37 (hg19) VCF-style: chr8-100515180-T-G.
Other names: c.4157+2T>G (NM_017890.5).
Identifiers: ClinVar variation 2086544 (VCV002086544.4), dbSNP rs2490459959, ClinGen allele CA371870158.
Genomic context (GRCh38, chr8:99,502,952, plus strand): 5'-GTATATACCAAAGTGAAATGTAAAATAGAGAGTTTCAATATTGATCACTATAGAAGCAGG[T>G]AAATAATGAATAATGAATATAAGAAAATCTGTATTTTTCTTTGAACAAAGTTACCATAAG-3'

ClinVar aggregate classification (germline): Likely pathogenic (1 of 4 stars; one submission).

Conditions:
Cohen syndrome (COH1). Also called: PEPPER SYNDROME; Cutis verticis gyrata, retinitis pigmentosa, and sensorineural deafness. Identifiers: Orphanet 193, MedGen C0265223, MONDO:0008999, OMIM 216550.

Submission:

Labcorp Genetics (formerly Invitae), Labcorp
Classification: Likely pathogenic for Cohen syndrome. Last evaluated: 2022-01-16. Review status: criteria provided, single submitter. Criteria: Invitae Variant Classification Sherloc (09022015). Collection method: clinical testing. Allele origin: germline.
Comment: This variant has not been reported in the literature in individuals affected with VPS13B-related conditions. In summary, the currently available evidence indicates that the variant is pathogenic, but additional data are needed to prove that conclusively. Therefore, this variant has been classified as Likely Pathogenic. Algorithms developed to predict the effect of sequence changes on RNA splicing suggest that this variant may disrupt the consensus splice site. This variant is not present in population databases (gnomAD no frequency). This sequence change affects a donor splice site in intron 27 of the VPS13B gene. It is expected to disrupt RNA splicing. Variants that disrupt the donor or acceptor splice site typically lead to a loss of protein function (PMID: 16199547), and loss-of-function variants in VPS13B are known to be pathogenic (PMID: 15141358, 16648375, 20461111).

Literature cited by the submitters: PubMed 16199547; PubMed 15141358; PubMed 16648375; PubMed 20461111.